The following is an entry in ClinVar:

NM_017514.5(PLXNA3):c.1639A>G (p.Asn547Asp)

Gene: PLXNA3 (plexin A3; plus strand). Cytogenetic location: Xq28.
Variant type: single nucleotide variant.
Coding change: c.1639A>G on transcript NM_017514.5 (MANE Select); coding-DNA position 1639, A replaced by G.
Protein change: p.Asn547Asp; replaces asparagine 547 with aspartic acid.
Molecular consequence: missense variant.
Genome position (GRCh38, 1-based): chrX:154,464,042, A>G. VCF-style: chrX-154464042-A-G. GRCh37 (hg19) VCF-style: chrX-153692385-A-G.
Other names: short protein forms N547D.
Identifiers: ClinVar variation 727528 (VCV000727528.5), dbSNP rs138419530, ClinGen allele CA10564112.
Genomic context (GRCh38, chrX:154,464,042, plus strand): 5'-TCTGCCCCACACGGCTTTGCTGAGGAGCTGAGCAAGTGTGTCCAGGTGCGGGTCCGGCCC[A>G]ACAATGTGTCAGTGACGTCACCTGGGGTGCAGGTGAGCAGCTTGGGGGTGCCCGGCTGGG-3'
Protein context (NP_059984.3, residues 537-557): SKCVQVRVRP[Asn547Asp]NVSVTSPGVQ

ClinVar aggregate classification (germline): Likely benign. Review status: criteria provided, single submitter (1 of 4 stars). 2 submissions from 2 submitters: Likely benign (1). 1 of the submissions does not count toward it. Last evaluated 2017-12-14.

Conditions:
PLXNA3-related disorder. Also called: PLXNA3-related condition.

Allele frequency attached by ClinVar (database versions not stated): gnomAD exomes 0.00007 and 0.00016; ExAC 0.00024; 1000 Genomes Project 0.00053; 1000 Genomes Project 30x 0.00062; gnomAD 0.00075 and 0.00082; TOPMed 0.00091; ESP Exome Variant Server 0.00095.
gnomAD v4.1: 165 of 1,209,306 alleles (0.014%); highest among the groups gnomAD compares: African/African-American, 0.27%; no homozygotes.

Submissions (2):

Labcorp Genetics (formerly Invitae), Labcorp
Classification: Likely benign. Last evaluated: 2017-12-14. Review status: criteria provided, single submitter. Criteria: Invitae Variant Classification Sherloc (09022015). Collection method: clinical testing. Allele origin: germline.

PreventionGenetics, part of Exact Sciences
Classification: Likely benign for PLXNA3-related condition. Last evaluated: 2022-02-10. Review status: no assertion criteria provided. Collection method: clinical testing. Allele origin: germline. Not counted in ClinVar's aggregate classification.
Comment: This variant is classified as likely benign based on ACMG/AMP sequence variant interpretation guidelines (Richards et al. 2015 PMID: 25741868, with internal and published modifications).